The following is an entry in ClinVar:

NM_005732.4(RAD50):c.1229C>G (p.Thr410Ser)

Gene: RAD50 (RAD50 double strand break repair protein; plus strand). Cytogenetic location: 5q31.1.
Variant type: single nucleotide variant.
Coding change: c.1229C>G on transcript NM_005732.4 (MANE Select); coding-DNA position 1229, C replaced by G.
Protein change: p.Thr410Ser; replaces threonine 410 with serine.
Molecular consequence: missense variant.
Genome position (GRCh38, 1-based): chr5:132,588,864, C>G. VCF-style: chr5-132588864-C-G. GRCh37 (hg19) VCF-style: chr5-131924556-C-G.
Other names: short protein forms T410S.
Identifiers: ClinVar variation 231198 (VCV000231198.15), dbSNP rs876659018, ClinGen allele CA10578523.

ClinVar aggregate classification (germline): Uncertain significance. Review status: criteria provided, multiple submitters, no conflicts (2 of 4 stars). 2 submissions from 2 submitters: Uncertain significance (2). Last evaluated 2023-03-31.

Conditions:
Hereditary cancer-predisposing syndrome. Also called: Neoplastic Syndromes, Hereditary; Tumor predisposition; Hereditary Cancer Syndrome; Hereditary neoplastic syndrome. Identifiers: Orphanet 140162, MedGen C0027672, MeSH D009386, MONDO:0015356.

gnomAD v4.1: 2 of 1,613,100 alleles (0.00012%); highest among the groups gnomAD compares: Non-Finnish European, 0.00017%; no homozygotes.

Submissions (2):

Labcorp Genetics (formerly Invitae), Labcorp
Classification: Uncertain significance for Hereditary cancer-predisposing syndrome. Last evaluated: 2023-03-31. Review status: criteria provided, single submitter. Criteria: Invitae Variant Classification Sherloc (09022015). Collection method: clinical testing. Allele origin: germline.
Comment: This sequence change replaces threonine, which is neutral and polar, with serine, which is neutral and polar, at codon 410 of the RAD50 protein (p.Thr410Ser). This variant is not present in population databases (gnomAD no frequency). This variant has not been reported in the literature in individuals affected with RAD50-related conditions. ClinVar contains an entry for this variant (Variation ID: 231198). Advanced modeling of protein sequence and biophysical properties (such as structural, functional, and spatial information, amino acid conservation, physicochemical variation, residue mobility, and thermodynamic stability) performed at Invitae indicates that this missense variant is not expected to disrupt RAD50 protein function. In summary, the available evidence is currently insufficient to determine the role of this variant in disease. Therefore, it has been classified as a Variant of Uncertain Significance.

Ambry Genetics
Classification: Uncertain significance for Hereditary cancer-predisposing syndrome. Last evaluated: 2015-04-07. Review status: criteria provided, single submitter. Criteria: Ambry Variant Classification Scheme 2023. Collection method: clinical testing. Allele origin: germline.
Comment: The p.T410S variant (also known as c.1229C>G), located in coding exon 8 of the RAD50 gene, results from a C to G substitution at nucleotide position 1229. The threonine at codon 410 is replaced by serine, an amino acid with similar properties. This variant was not reported in population based cohorts in the following databases: Database of Single Nucleotide Polymorphisms (dbSNP), NHLBI Exome Sequencing Project (ESP), and 1000 Genomes Project. In the ESP, this variant was not observed in 6503 samples (13006 alleles) with coverage at this position. To date, this alteration has been detected with an allele frequency of approximately 0.003% (greater than 40000 alleles tested) in our clinical cohort. This amino acid position is not well conserved in available vertebrate species. In addition, this alteration is predicted to be tolerated by in silico analysis. Since supporting evidence is limited at this time, the clinical significance of p.T410S remains unclear.